The following is an entry in ClinVar:

ClinVar aggregate classification (germline): Uncertain significance. Review status: criteria provided, multiple submitters, no conflicts (2 of 4 stars). 3 submissions from 3 submitters: Uncertain significance (3). Last evaluated 2026-04-16.

Conditions:
IMPG1-related disorder. Also called: IMPG1-related condition.

Allele frequency attached by ClinVar (database versions not stated): ExAC 0.00004; gnomAD exomes 0.00005 and 0.00014; ESP Exome Variant Server 0.00008; gnomAD 0.00016; TOPMed 0.00020; 1000 Genomes Project 0.00040; 1000 Genomes Project 30x 0.00047.

Submissions (3):

PreventionGenetics, part of Exact Sciences
Classification: Uncertain significance for IMPG1-related condition. Last evaluated: 2026-04-16. Review status: criteria provided, single submitter. Criteria: ACMG Guidelines, 2015. Collection method: clinical testing. Allele origin: germline.
Comment: The IMPG1 c.1739G>A variant is predicted to result in the amino acid substitution p.Arg580His. To our knowledge, this variant has not been reported in the literature. This variant is reported in 0.024% of alleles in individuals of African descent in gnomAD. Another variant affecting the same amino acid, c.1738C>T, p.(Arg580Cys), has been reported in an individual with age-related macular degeneration (Table S2, Kersten et al. 2018. PubMed ID: 30215852). At this time, the clinical significance of this variant is uncertain due to the absence of conclusive functional and genetic evidence.

Labcorp Genetics (formerly Invitae), Labcorp
Classification: Uncertain significance. Last evaluated: 2025-03-27. Review status: criteria provided, single submitter. Criteria: Invitae Variant Classification Sherloc (09022015). Collection method: clinical testing. Allele origin: germline.
Comment: This sequence change replaces arginine, which is basic and polar, with histidine, which is basic and polar, at codon 580 of the IMPG1 protein (p.Arg580His). This variant is present in population databases (rs80190180, gnomAD 0.02%). This missense change has been observed in individual(s) with macular degeneration (PMID: 30215852). ClinVar contains an entry for this variant (Variation ID: 964799). An algorithm developed to predict the effect of missense changes on protein structure and function outputs the following: PolyPhen-2: "Benign". The histidine amino acid residue is found in multiple mammalian species, which suggests that this missense change does not adversely affect protein function. In summary, the available evidence is currently insufficient to determine the role of this variant in disease. Therefore, it has been classified as a Variant of Uncertain Significance.

Blueprint Genetics
Classification: Uncertain significance. Last evaluated: 2023-07-03. Review status: criteria provided, single submitter. Criteria: ACMG Guidelines, 2015. Collection method: clinical testing. Allele origin: germline.

Literature cited by the submitters: PubMed 30215852 (cited by Labcorp Genetics (formerly Invitae), Labcorp).

NM_001563.4(IMPG1):c.1739G>A (p.Arg580His)

Gene: IMPG1 (interphotoreceptor matrix proteoglycan 1; minus strand). Cytogenetic location: 6q14.1.
Variant type: single nucleotide variant.
Coding change: c.1739G>A on transcript NM_001563.4 (MANE Select); coding-DNA position 1739, G replaced by A.
Protein change: p.Arg580His; replaces arginine 580 with histidine.
Molecular consequence: missense variant.
Genome position (GRCh38, 1-based): chr6:75,950,647, C>T on the plus strand (G>A on the coding strand, the complement: IMPG1 is on the minus strand). VCF-style: chr6-75950647-C-T. GRCh37 (hg19) VCF-style: chr6-76660364-C-T.
Other names: c.1505G>A, p.Arg502His (NM_001282368.2); short protein forms R580H, R502H.
Identifiers: ClinVar variation 964799 (VCV000964799.10), dbSNP rs80190180, ClinGen allele CA3898063.